The following is an entry in ClinVar:

ClinVar aggregate classification (germline): Uncertain significance (1 of 4 stars; one submission).

Conditions:
Congenital myasthenic syndrome 5. Identifiers: Orphanet 590, MedGen C1864233, MONDO:0011281, OMIM 603034.

Allele frequency attached by ClinVar (database versions not stated): gnomAD exomes below 0.00001.

Submission:

Labcorp Genetics (formerly Invitae), Labcorp
Classification: Uncertain significance for Congenital myasthenic syndrome 5. Last evaluated: 2019-07-12. Review status: criteria provided, single submitter. Criteria: Invitae Variant Classification Sherloc (09022015). Collection method: clinical testing. Allele origin: germline.
Comment: This sequence change falls in intron 1 of the COLQ gene. It does not directly change the encoded amino acid sequence of the COLQ protein, but it affects a nucleotide within the consensus splice site of the intron. This variant is not present in population databases (ExAC no frequency). This variant has not been reported in the literature in individuals with COLQ-related conditions. Nucleotide substitutions within the consensus splice site are a relatively common cause of aberrant splicing (PMID: 17576681, 9536098). Algorithms developed to predict the effect of sequence changes on RNA splicing suggest that this variant may disrupt the consensus splice site, but this prediction has not been confirmed by published transcriptional studies. In summary, the available evidence is currently insufficient to determine the role of this variant in disease. Therefore, it has been classified as a Variant of Uncertain Significance.

Literature cited by the submitters: PubMed 17576681; PubMed 9536098.

NM_005677.4(COLQ):c.107-2dup

Gene: COLQ (collagen like tail subunit of asymmetric acetylcholinesterase; minus strand). Cytogenetic location: 3p25.1.
Variant type: Duplication.
Coding change: c.107-2dup on transcript NM_005677.4 (MANE Select); the canonical splice acceptor site of the intron before coding-DNA position 107, one base duplicated (A; older notation c.107-2dupA).
Molecular consequence: splice acceptor variant.
Genome position (GRCh38, 1-based): chr3:15,489,639, T duplicated on the plus strand (A on the coding strand, the reverse complement: COLQ is on the minus strand). VCF-style (leftmost placement, unchanged base first): chr3-15489638-C-CT. GRCh37 (hg19) VCF-style: chr3-15531145-C-CT.
Other names: c.107-2dup (NM_080539.4); c.77-2dup (NM_080538.2).
Identifiers: ClinVar variation 957058 (VCV000957058.8), dbSNP rs2062631055, ClinGen allele CA1139657930.